The following is an entry in ClinVar:

ClinVar aggregate classification (germline): Pathogenic (1 of 4 stars; one submission).

Conditions:
Polyglandular autoimmune syndrome, type 1 (APS1). Also called: Autoimmune polyendocrinopathy syndrome, type I; Autoimmune polyendocrinopathy syndrome , type I, with or without reversible metaphyseal dysplasia; AUTOIMMUNE POLYENDOCRINE SYNDROME, TYPE I, WITH OR WITHOUT REVERSIBLE METAPHYSEAL DYSPLASIA; APS I; PGA I; HYPOADRENOCORTICISM WITH HYPOPARATHYROIDISM AND SUPERFICIAL MONILIASIS. Identifiers: Orphanet 3453, MedGen C0085859, MONDO:0009411, OMIM 240300.

Submission:

Labcorp Genetics (formerly Invitae), Labcorp
Classification: Pathogenic for Polyglandular autoimmune syndrome, type 1. Last evaluated: 2021-08-20. Review status: criteria provided, single submitter. Criteria: Invitae Variant Classification Sherloc (09022015). Collection method: clinical testing. Allele origin: germline.
Comment: For these reasons, this variant has been classified as Pathogenic. This variant has not been reported in the literature in individuals affected with AIRE-related conditions. This variant is not present in population databases (ExAC no frequency). This sequence change creates a premature translational stop signal (p.Leu67Glyfs*3) in the AIRE gene. It is expected to result in an absent or disrupted protein product. Loss-of-function variants in AIRE are known to be pathogenic (PMID: 11524731, 26141571).

Literature cited by the submitters: PubMed 11524731; PubMed 26141571.

NM_000383.4(AIRE):c.193_197dup (p.Leu67fs)

Gene: AIRE (autoimmune regulator; plus strand). Cytogenetic location: 21q22.3.
Variant type: Duplication.
Coding change: c.193_197dup on transcript NM_000383.4 (MANE Select); coding-DNA positions 193 to 197, 5 bases duplicated (TGGCT; older notation c.193_197dupTGGCT).
Protein change: p.Leu67fs; shifts the reading frame from leucine 67.
Molecular consequence: frameshift variant.
Genome position (GRCh38, 1-based): chr21:44,286,617-44,286,621, TGGCT duplicated. VCF-style (leftmost placement, unchanged base first): chr21-44286616-C-CTGGCT. GRCh37 (hg19) VCF-style: chr21-45706499-C-CTGGCT.
Other names: short protein forms L67fs.
Identifiers: ClinVar variation 1456925 (VCV001456925.6), dbSNP rs2146375818, ClinGen allele CA2573157677.
Genomic context (GRCh38, chr21:44,286,616, plus strand): 5'-GGAGACGCTTCATCTGAAGGAAAAGGAGGGCTGCCCCCAGGCCTTCCACGCCCTCCTGTC[C>CTGGCT]TGGCTGCTGACCCAGGACTCCACAGCCATCCTGGACTTCTGGAGGGTGCTGTTCAAGGAC-3'